The following is an entry in ClinVar:

NM_003737.4(DCHS1):c.2699C>T (p.Thr900Met)

Gene: DCHS1 (dachsous cadherin-related 1; minus strand). Cytogenetic location: 11p15.4.
Variant type: single nucleotide variant.
Coding change: c.2699C>T on transcript NM_003737.4 (MANE Select); coding-DNA position 2699, C replaced by T.
Protein change: p.Thr900Met; replaces threonine 900 with methionine.
Molecular consequence: missense variant.
Genome position (GRCh38, 1-based): chr11:6,632,813, G>A on the plus strand (C>T on the coding strand, the complement: DCHS1 is on the minus strand). VCF-style: chr11-6632813-G-A. GRCh37 (hg19) VCF-style: chr11-6654044-G-A.
Other names: short protein forms T900M.
Identifiers: ClinVar variation 426125 (VCV000426125.10), dbSNP rs150889229, ClinGen allele CA5860675.

ClinVar aggregate classification (germline): Conflicting classifications of pathogenicity. Review status: criteria provided, conflicting classifications (1 of 4 stars). 3 submissions from 3 submitters: Uncertain significance (2); Likely benign (1). Last evaluated 2025-12-18.

Conditions:
Van Maldergem syndrome 1 (VMLDS1). Also called: Van Maldergem syndrome 1 (VMLDS1). Identifiers: Orphanet 314679, MedGen C4551950, MONDO:0011070, OMIM 601390.

Allele frequency attached by ClinVar (database versions not stated): gnomAD exomes 0.00006 and 0.00010; TOPMed 0.00007; ESP Exome Variant Server 0.00008; gnomAD 0.00009; ExAC 0.00010; 1000 Genomes Project 30x 0.00016; 1000 Genomes Project 0.00020.
gnomAD v4.1: 104 of 1,613,974 alleles (0.0064%); highest among the groups gnomAD compares: Admixed American, 0.01%; no homozygotes.

Submissions (3):

Labcorp Genetics (formerly Invitae), Labcorp
Classification: Likely benign. Last evaluated: 2025-12-18. Review status: criteria provided, single submitter. Criteria: Invitae Variant Classification Sherloc (09022015). Collection method: clinical testing. Allele origin: germline.

Baylor Genetics
Classification: Uncertain significance for Van Maldergem syndrome 1. Last evaluated: 2023-02-06. Review status: criteria provided, single submitter. Criteria: ACMG Guidelines, 2015. Collection method: clinical testing. Allele origin: unknown.

GeneDx
Classification: Uncertain significance. Last evaluated: 2017-05-02. Review status: criteria provided, single submitter. Criteria: GeneDx Variant Classification (06012015). Collection method: clinical testing. Allele origin: germline. Affected: yes.
Comment: The T900M variant in the DCHS1 gene has not been reported previously as a pathogenic variant, nor as a benign variant, to our knowledge. The T900M variant is observed in 9/65120 (0.014%) alleles from individuals of European background, in the ExAC dataset (Lek et al., 2016). The T900M variant is a non-conservative amino acid substitution, which is likely to impact secondary protein structure as these residues differ in polarity, charge, size and/or other properties. This substitution occurs at a position that is conserved in mammals. In silico analysis is inconsistent in its predictions as to whether or not the variant is damaging to the protein structure/function. We interpret T900M as a variant of uncertain significance.